The following is an entry in ClinVar:

NM_000334.4(SCN4A):c.3442-3C>T

Genes: SCN4A (sodium voltage-gated channel alpha subunit 4; minus strand), GH-LCR (growth hormone locus control region; plus strand). Cytogenetic location: 17q23.3.
Variant type: single nucleotide variant.
Coding change: c.3442-3C>T on transcript NM_000334.4 (MANE Select); 3 bases into the intron before coding-DNA position 3442, C replaced by T.
Molecular consequence: intron variant.
Genome position (GRCh38, 1-based): chr17:63,945,641, G>A on the plus strand (C>T on the coding strand, the complement: SCN4A is on the minus strand). VCF-style: chr17-63945641-G-A. GRCh37 (hg19) VCF-style: chr17-62023001-G-A.
Identifiers: ClinVar variation 1051154 (VCV001051154.16), dbSNP rs2144779639, ClinGen allele CA2499224832.
Genomic context (GRCh38, chr17:63,945,641, plus strand): 5'-AGACAAGCAGCACATTCATGATGGAGGGGATGGCGCCTAGGAGGGCGTTCACCACCACCT[G>A]GGGGCCAGGGGGTCCATTGCCAGTGCCTCTCCCAGCCTCTGAGAGAGGGCTCCACATCTC-3'

ClinVar aggregate classification (germline): Uncertain significance (1 of 4 stars; one submission).

Conditions:
Hyperkalemic periodic paralysis. Also called: Familial hyperkalemic periodic paralysis; Gamstorp disease. Identifiers: Orphanet 682, MedGen C0238357, MONDO:0008224, OMIM 170500, HP:0007215.

Allele frequency attached by ClinVar (database versions not stated): gnomAD exomes below 0.00001.
gnomAD v4.1: 1 of 1,613,656 alleles (0.000062%); highest among the groups gnomAD compares: Non-Finnish European, 0.000085%; no homozygotes.

Submission:

Labcorp Genetics (formerly Invitae), Labcorp
Classification: Uncertain significance for Hyperkalemic periodic paralysis. Last evaluated: 2020-07-15. Review status: criteria provided, single submitter. Criteria: Invitae Variant Classification Sherloc (09022015). Collection method: clinical testing. Allele origin: germline.
Comment: This sequence change falls in intron 18 of the SCN4A gene. It does not directly change the encoded amino acid sequence of the SCN4A protein, but it affects a nucleotide within the consensus splice site of the intron. This variant is not present in population databases (ExAC no frequency). In summary, the available evidence is currently insufficient to determine the role of this variant in disease. Therefore, it has been classified as a Variant of Uncertain Significance. Nucleotide substitutions within the consensus splice site are a relatively common cause of aberrant splicing (PMID: 17576681, 9536098). Algorithms developed to predict the effect of sequence changes on RNA splicing suggest that this variant is not likely to affect RNA splicing, but this prediction has not been confirmed by published transcriptional studies. This variant has not been reported in the literature in individuals with SCN4A-related conditions.

Literature cited by the submitters: PubMed 17576681; PubMed 9536098.